The following is an entry in ClinVar:

NM_001035.3(RYR2):c.7299G>A (p.Val2433=)

Gene: RYR2 (ryanodine receptor 2; plus strand). Cytogenetic location: 1q43.
Variant type: single nucleotide variant.
Coding change: c.7299G>A on transcript NM_001035.3 (MANE Select); coding-DNA position 7299, G replaced by A.
Protein change: p.Val2433=; no amino-acid change (valine 2433 retained).
Molecular consequence: synonymous variant.
Genome position (GRCh38, 1-based): chr1:237,643,404, G>A. VCF-style: chr1-237643404-G-A. GRCh37 (hg19) VCF-style: chr1-237806704-G-A.
Other names: c.7299G>A, p.Val2433= (LRG_402t1).
Identifiers: ClinVar variation 381923 (VCV000381923.1), dbSNP rs758206834, ClinGen allele CA087353.
Genomic context (GRCh38, chr1:237,643,404, plus strand): 5'-GGGAGAAGCCATCAGAATTAGGTCCATTTTGAGATCCCTCATTCCCCTGGGAGATTTGGT[G>A]GGCGTTATCAGCATCGCTTTTCAGATGCCAACAATAGCCAAAGGTAAGGCCAACTTCAAT-3'
Protein context (NP_001026.2, residues 2423-2443): LRSLIPLGDL[Val2433=]GVISIAFQMP

ClinVar aggregate classification (germline): Likely benign (1 of 4 stars; one submission).

Allele frequency attached by ClinVar (database versions not stated): gnomAD exomes below 0.00001; ExAC 0.00001; gnomAD 0.00001.
gnomAD v4.1: 1 of 1,613,686 alleles (0.000062%); highest among the groups gnomAD compares: Non-Finnish European, 0.000085%; no homozygotes.

Submission:

GeneDx
Classification: Likely benign. Last evaluated: 2015-11-30. Review status: criteria provided, single submitter. Criteria: GeneDx Variant Classification (06012015). Collection method: clinical testing. Allele origin: germline. Affected: yes.
Comment: This variant is considered likely benign or benign based on one or more of the following criteria: it is a conservative change, it occurs at a poorly conserved position in the protein, it is predicted to be benign by multiple in silico algorithms, and/or has population frequency not consistent with disease.